The following is an entry in ClinVar:

ClinVar aggregate classification (germline): Uncertain significance (1 of 4 stars; one submission).

Conditions:
Congenital multicore myopathy with external ophthalmoplegia (CMYO1B). Also called: MULTIMINICORE DISEASE WITH EXTERNAL OPHTHALMOPLEGIA; Congenital myopathy 1B, autosomal recessive; Minicore myopathy; MULTICORE MYOPATHY; Minicore myopathy with external ophthalmoplegia. Identifiers: Orphanet 598, Orphanet 98905, MedGen C1850674, MONDO:0009712, OMIM 255320, HP:0003789.

Submission:

Victorian Clinical Genetics Services, Murdoch Childrens Research Institute
Classification: Uncertain significance for Congenital multicore myopathy with external ophthalmoplegia. Last evaluated: 2026-05-25. Review status: criteria provided, single submitter. Criteria: ACMG Guidelines, 2015. Collection method: clinical testing. Allele origin: germline. Affected: yes.
Comment: This variant is classified as VUS-3A. Evidence in support of pathogenic classification: Non-canonical splice site variant without proven consequence on splicing (no functional evidence available); Variant is absent from gnomAD (v2, v3 and v4). Additional information: This variant is heterozygous; This gene is associated with both recessive and dominant disease (OMIM); This variant has no previous evidence of pathogenicity; No published evidence of segregation with disease has been identified for this variant; No published functional evidence has been identified for this variant; Another non-canonical splice site variant(s) comparable to the one identified in this case have inconclusive previous evidence for pathogenicity. Alternative changes, c.14129+5G>T, have been reported as VUS by clinical laboratories in ClinVar; In silico prediction for abnormal splicing and nucleotide conservation are conflicting; Loss of function and gain of function are known mechanisms of disease in this gene and are associated with RYR1-related disorders (OMIM). Gain of function is associated with malignant hyperthermia susceptibility 1 (MIM#145600) and autosomal dominant congenital myopathy 1A with susceptibility to malignant hyperthermia (MIM#117000). Loss of function is associated with autosomal recessive congenital myopathy 1B (MIM#255320) (PMIDs: 27855725, 23919265). The mechanism of King-Denborough syndrome (MIM#619542) is unclear; Parental origin of the variant is unresolved.

Literature cited by the submitters: PubMed 27855725; PubMed 23919265.

NM_000540.3(RYR1):c.14129+5G>A

Gene: RYR1 (ryanodine receptor 1; plus strand). Cytogenetic location: 19q13.2.
Variant type: single nucleotide variant.
Coding change: c.14129+5G>A on transcript NM_000540.3 (MANE Select); 5 bases into the intron after coding-DNA position 14129, G replaced by A.
Molecular consequence: intron variant.
Genome position (GRCh38, 1-based): chr19:38,573,312, G>A. VCF-style: chr19-38573312-G-A. GRCh37 (hg19) VCF-style: chr19-39063952-G-A.
Other names: c.14114+5G>A (NM_001042723.2).
Identifiers: ClinVar variation 4879668 (VCV004879668.1).